The following is an entry in ClinVar:

ClinVar aggregate classification (germline): Benign/Likely benign. Review status: criteria provided, multiple submitters, no conflicts (2 of 4 stars). 9 submissions from 6 submitters: Benign (1); Likely benign (8). Last evaluated 2026-02-01.

Conditions:
Atypical hemolytic-uremic syndrome. Identifiers: Orphanet 2134, MedGen C2931788, MONDO:0016244.
Basal laminar drusen. Also called: DRUSEN OF BRUCH MEMBRANE; DRUSEN, CUTICULAR; DRUSEN, EARLY ADULT-ONSET, GROUPED. Identifiers: Orphanet 75376, MedGen C0730295, MONDO:0007472, OMIM 126700.
Factor H deficiency (CFHD). Also called: COMPLEMENT FACTOR H DEFICIENCY; CFH DEFICIENCY. Identifiers: Orphanet 200421, MedGen C0398777, MONDO:0012350, OMIM 609814.
Age related macular degeneration 4. Identifiers: MedGen C1853147, MONDO:0012540, OMIM 610698.
Hemolytic uremic syndrome, atypical, susceptibility to, 1. Also called: AHUS, SUSCEPTIBILITY TO, 1. Identifiers: Orphanet 2134, Orphanet 90038, MedGen C2749604, MONDO:0009335, OMIM 235400. Disease mechanism: Other.

Allele frequency attached by ClinVar (database versions not stated): gnomAD 0.00001 and 0.00011; TOPMed 0.00001; gnomAD exomes 0.00032 and 0.00057; ExAC 0.00061; 1000 Genomes Project 30x 0.00094; 1000 Genomes Project 0.00100.
gnomAD v4.1: 471 of 1,613,992 alleles (0.029%); highest among the groups gnomAD compares: South Asian, 0.5%; 7 homozygotes.

Submissions (9):

CeGaT Center for Human Genetics Tuebingen
Classification: Likely benign. Last evaluated: 2026-02-01. Review status: criteria provided, single submitter. Criteria: CeGaT Center For Human Genetics Tuebingen Variant Classification Criteria Version 2. Collection method: clinical testing. Allele origin: germline. Affected: yes. Observed: 2 variant alleles.
Comment: CFH: BP4, BP7

Labcorp Genetics (formerly Invitae), Labcorp
Classification: Benign. Last evaluated: 2025-11-27. Review status: criteria provided, single submitter. Criteria: Invitae Variant Classification Sherloc (09022015). Collection method: clinical testing. Allele origin: germline.

Blueprint Genetics
Classification: Likely benign. Last evaluated: 2024-08-22. Review status: criteria provided, single submitter. Criteria: ACMG Guidelines, 2015. Collection method: clinical testing. Allele origin: germline.

Genome-Nilou Lab
Classification: Likely benign for Hemolytic uremic syndrome, atypical, susceptibility to, 1. Last evaluated: 2023-04-11. Review status: criteria provided, single submitter. Criteria: ACMG Guidelines, 2015. Collection method: clinical testing. Allele origin: germline. Affected: no.

Genome-Nilou Lab
Classification: Likely benign for Age related macular degeneration 4. Last evaluated: 2023-04-11. Review status: criteria provided, single submitter. Criteria: ACMG Guidelines, 2015. Collection method: clinical testing. Allele origin: germline. Affected: no.

Genome-Nilou Lab
Classification: Likely benign for Basal laminar drusen. Last evaluated: 2023-04-11. Review status: criteria provided, single submitter. Criteria: ACMG Guidelines, 2015. Collection method: clinical testing. Allele origin: germline. Affected: no.

Genome-Nilou Lab
Classification: Likely benign for Factor H deficiency. Last evaluated: 2023-04-11. Review status: criteria provided, single submitter. Criteria: ACMG Guidelines, 2015. Collection method: clinical testing. Allele origin: germline. Affected: no.

Genome Diagnostics Laboratory, The Hospital for Sick Children
Classification: Likely benign for Atypical hemolytic-uremic syndrome. Last evaluated: 2022-09-06. Review status: criteria provided, single submitter. Criteria: ACMG Guidelines, 2015. Collection method: clinical testing. Allele origin: germline.

Fulgent Genetics
Classification: Likely benign for Basal laminar drusen; Hemolytic uremic syndrome, atypical, susceptibility to, 1; Factor H deficiency; Age related macular degeneration 4. Last evaluated: 2022-05-09. Review status: criteria provided, single submitter. Criteria: ACMG Guidelines, 2015. Collection method: clinical testing. Allele origin: unknown.

NM_000186.4(CFH):c.2946A>G (p.Pro982=)

Gene: CFH (complement factor H; plus strand). Cytogenetic location: 1q31.3.
Variant type: single nucleotide variant.
Coding change: c.2946A>G on transcript NM_000186.4 (MANE Select); coding-DNA position 2946, A replaced by G.
Protein change: p.Pro982=; no amino-acid change (proline 982 retained).
Molecular consequence: synonymous variant.
Genome position (GRCh38, 1-based): chr1:196,740,782, A>G. VCF-style: chr1-196740782-A-G. GRCh37 (hg19) VCF-style: chr1-196709912-A-G.
Identifiers: ClinVar variation 1563833 (VCV001563833.21), dbSNP rs553471643, ClinGen allele CA1305782.
Genomic context (GRCh38, chr1:196,740,782, plus strand): 5'-TTTTGGAATTGATGGGCCTGCAATTGCAAAATGCTTAGGAGAAAAATGGTCTCACCCTCC[A>G]TCATGCATAAGTATGGTGCATTGAATTTTATTATATGTATGATAAATATTCTTCATTCAA-3'
Protein context (NP_000177.2, residues 972-992): KCLGEKWSHP[Pro982=]SCIKTDCLSL